The following is an entry in ClinVar:

NM_001267550.2(TTN):c.29864G>A (p.Arg9955Gln)

Gene: TTN (titin; minus strand). Cytogenetic location: 2q31.2.
Variant type: single nucleotide variant.
Coding change: c.29864G>A on transcript NM_001267550.2 (MANE Select); coding-DNA position 29864, G replaced by A.
Protein change: p.Arg9955Gln; replaces arginine 9955 with glutamine.
Molecular consequence: missense variant. On other transcripts: intron variant (3).
Genome position (GRCh38, 1-based): chr2:178,704,608, C>T on the plus strand (G>A on the coding strand, the complement: TTN is on the minus strand). VCF-style: chr2-178704608-C-T. GRCh37 (hg19) VCF-style: chr2-179569335-C-T.
Other names: c.28913G>A, p.Arg9638Gln (NM_001256850.1); c.26132G>A, p.Arg8711Gln (NM_133378.4); c.13282+33474G>A (NM_003319.4); c.13858+33474G>A (NM_133437.4); c.13657+33474G>A (NM_133432.3); c.29864G>A (NM_001267550.1); short protein forms R9955Q, R8711Q, R9638Q.
Identifiers: ClinVar variation 405158 (VCV000405158.7), dbSNP rs182332374, ClinGen allele CA1999297.
Genomic context (GRCh38, chr2:178,704,608, plus strand): 5'-CAAACCAATCGATAATTGCCCTGGTCTTTAAGTTGACAGTTTTTGACTCTGAGTGTATGT[C>T]GGTCACCATCAATGCTTATTTCAAATTTATCACTGGGTTCCAGTTTTTCAGTTCCTTTGT-3'
Protein context (NP_001254479.2, residues 9945-9965): DKFEISIDGD[Arg9955Gln]HTLRVKNCQL

ClinVar aggregate classification (germline): Uncertain significance. Review status: criteria provided, multiple submitters, no conflicts (2 of 4 stars). 3 submissions from 3 submitters: Uncertain significance (3). Last evaluated 2026-06-08.

Conditions:
Dilated cardiomyopathy 1G (CMD1G). Identifiers: Orphanet 154, MedGen C1858763, MONDO:0011400, OMIM 604145.
Autosomal recessive limb-girdle muscular dystrophy type 2J (LGMDR10). Also called: Limb-girdle muscular dystrophy, type 2J; MUSCULAR DYSTROPHY, LIMB-GIRDLE, AUTOSOMAL RECESSIVE 10. Identifiers: Orphanet 140922, MedGen C1837342, MONDO:0012127, OMIM 608807.

Allele frequency attached by ClinVar (database versions not stated): gnomAD 0.00001; ExAC 0.00002; 1000 Genomes Project 30x 0.00016; gnomAD exomes 0.00001; TOPMed 0.00001; 1000 Genomes Project 0.00020.
gnomAD v4.1: 18 of 1,612,686 alleles (0.0011%); highest among the groups gnomAD compares: East Asian, 0.0022%; no homozygotes.

Submissions (3):

Women's Health and Genetics/Laboratory Corporation of America, LabCorp
Classification: Uncertain significance. Last evaluated: 2026-06-08. Review status: criteria provided, single submitter. Criteria: LabCorp Variant Classification Summary - May 2015. Collection method: clinical testing. Allele origin: germline.
Comment: Variant summary: TTN c.26132G>A (p.Arg8711Gln) results in a conservative amino acid change in the encoded protein sequence. Algorithms developed to predict the effect of missense changes on protein structure and function are either unavailable or do not agree on the potential impact of this missense change. The variant allele was found at a frequency of 1.2e-05 in 246232 control chromosomes. The available data on variant occurrences in the general population are insufficient to allow any conclusion about variant significance. To our knowledge, no occurrence of c.26132G>A in individuals affected with TTN-related conditions and no experimental evidence demonstrating its impact on protein function have been reported. ClinVar contains an entry for this variant (Variation ID: 405158). Based on the evidence outlined above, the variant was classified as uncertain significance.

GeneDx
Classification: Uncertain significance. Last evaluated: 2022-05-18. Review status: criteria provided, single submitter. Criteria: GeneDx Variant Classification Process June 2021. Collection method: clinical testing. Allele origin: germline. Affected: yes.
Comment: Not observed at significant frequency in large population cohorts (gnomAD); Missense variant in a gene in which most reported pathogenic variants are truncating/loss of function; Has not been previously published as pathogenic or benign to our knowledge

Labcorp Genetics (formerly Invitae), Labcorp
Classification: Uncertain significance for Dilated cardiomyopathy 1G; Autosomal recessive limb-girdle muscular dystrophy type 2J. Last evaluated: 2016-08-10. Review status: criteria provided, single submitter. Criteria: Invitae Variant Classification Sherloc (09022015). Collection method: clinical testing. Allele origin: germline.